The following is an entry in ClinVar:

NM_000284.4(PDHA1):c.520G>C (p.Gly174Arg)

Gene: PDHA1 (pyruvate dehydrogenase E1 subunit alpha 1; plus strand). Cytogenetic location: Xp22.12.
Variant type: single nucleotide variant.
Coding change: c.520G>C on transcript NM_000284.4 (MANE Select); coding-DNA position 520, G replaced by C.
Protein change: p.Gly174Arg; replaces glycine 174 with arginine.
Molecular consequence: missense variant. On other transcripts: intron variant (1).
Genome position (GRCh38, 1-based): chrX:19,354,500, G>C. VCF-style: chrX-19354500-G-C. GRCh37 (hg19) VCF-style: chrX-19372618-G-C.
Other names: c.634G>C, p.Gly212Arg (NM_001173454.2); c.541G>C, p.Gly181Arg (NM_001173455.2); c.511-849G>C (NM_001173456.2); short protein forms G174R, G181R, G212R.
Identifiers: ClinVar variation 3907687 (VCV003907687.1).

ClinVar aggregate classification (germline): Likely pathogenic (1 of 4 stars; one submission).

Conditions:
Pyruvate dehydrogenase E1-alpha deficiency (PDHAD). Also called: ATAXIA, INTERMITTENT, WITH PYRUVATE DEHYDROGENASE DEFICIENCY; ATAXIA WITH LACTIC ACIDOSIS I; ATAXIA, INTERMITTENT, WITH ABNORMAL PYRUVATE METABOLISM; Ataxia, intermittent, with pyruvate dehydrogenase, or decarboxylase, deficiency. Identifiers: Orphanet 79243, MedGen C1839413, MONDO:0010717, OMIM 312170.

Submission:

MVZ Medizinische Genetik Mainz
Classification: Likely pathogenic for Pyruvate dehydrogenase E1-alpha deficiency. Last evaluated: 2025-05-15. Review status: criteria provided, single submitter. Criteria: UK Practice Guidelines For Variant Classification V4 01 2020. Collection method: clinical testing. Allele origin: germline. Inheritance: Autosomal dominant inheritance. Affected: yes. Observed: 1 variant allele.
Comment: ACMG Criteria: PM2_SUP_MOD,PM6,PP2,PP3